The following is an entry in ClinVar:

NM_025114.4(CEP290):c.3390_3393del (p.Ser1131fs)

Gene: CEP290 (centrosomal protein 290; minus strand). Cytogenetic location: 12q21.32.
Variant type: Deletion.
Coding change: c.3390_3393del on transcript NM_025114.4 (MANE Select); coding-DNA positions 3390 to 3393, 4 bases deleted (AAGT; older notation c.3390_3393delAAGT).
Protein change: p.Ser1131fs; shifts the reading frame from serine 1131.
Molecular consequence: frameshift variant.
Genome position (GRCh38, 1-based): chr12:88,092,749-88,092,752, ACTT deleted on the plus strand (AAGT on the coding strand, the reverse complement: CEP290 is on the minus strand); deleting any 4 consecutive bases within chr12:88,092,749-88,092,755 gives the same sequence; the c. name uses the placement nearest the transcript's 3' end. VCF-style (leftmost placement, unchanged base first): chr12-88092748-CACTT-C. GRCh37 (hg19) VCF-style: chr12-88486525-CACTT-C.
Other names: short protein forms S1131fs.
Identifiers: ClinVar variation 1455076 (VCV001455076.6), dbSNP rs2137342973, ClinGen allele CA2573149047.

ClinVar aggregate classification (germline): Pathogenic (1 of 4 stars; one submission).

Conditions:
Nephronophthisis. Also called: Juvenile Nephronophthisis. Identifiers: Orphanet 655, MedGen C0687120, MONDO:0019005, HP:0000090.
Meckel-Gruber syndrome. Also called: DYSENCEPHALIA SPLANCHNOCYSTICA; GRUBER SYNDROME; Dysencephalia splachnocystica. Identifiers: Orphanet 564, MedGen C0265215, MONDO:0018921.
Joubert syndrome. Also called: CEREBELLOPARENCHYMAL DISORDER IV; JOUBERT-BOLTSHAUSER SYNDROME; Familial aplasia of the vermis. Identifiers: Orphanet 475, MedGen C5979921, MONDO:0018772.

Submission:

Labcorp Genetics (formerly Invitae), Labcorp
Classification: Pathogenic for Joubert syndrome; Meckel-Gruber syndrome; Nephronophthisis. Last evaluated: 2021-10-13. Review status: criteria provided, single submitter. Criteria: Invitae Variant Classification Sherloc (09022015). Collection method: clinical testing. Allele origin: germline.
Comment: This sequence change creates a premature translational stop signal (p.Ser1131Metfs*8) in the CEP290 gene. It is expected to result in an absent or disrupted protein product. Loss-of-function variants in CEP290 are known to be pathogenic (PMID: 16909394, 17345604, 20690115). This variant is not present in population databases (ExAC no frequency). This variant has not been reported in the literature in individuals affected with CEP290-related conditions. For these reasons, this variant has been classified as Pathogenic.

Literature cited by the submitters: PubMed 16909394; PubMed 17345604; PubMed 20690115.